The following is an entry in ClinVar:

ClinVar aggregate classification (germline): Uncertain significance (1 of 4 stars; one submission).

Conditions:
Hereditary cancer-predisposing syndrome. Also called: Hereditary neoplastic syndrome; Neoplastic Syndromes, Hereditary; Tumor predisposition; Hereditary Cancer Syndrome. Identifiers: Orphanet 140162, MedGen C0027672, MeSH D009386, MONDO:0015356.

Submission:

Ambry Genetics
Classification: Uncertain significance for Hereditary cancer-predisposing syndrome. Last evaluated: 2025-01-09. Review status: criteria provided, single submitter. Criteria: Ambry Variant Classification Scheme 2023. Collection method: clinical testing. Allele origin: germline.
Comment: The p.K693R variant (also known as c.2078A>G), located in coding exon 14 of the KIT gene, results from an A to G substitution at nucleotide position 2078. The lysine at codon 693 is replaced by arginine, an amino acid with highly similar properties. This amino acid position is conserved. In addition, the in silico prediction for this alteration is inconclusive. Based on the available evidence, the clinical significance of this variant remains unclear.

NM_000222.3(KIT):c.2078A>G (p.Lys693Arg)

Gene: KIT (KIT proto-oncogene, receptor tyrosine kinase; plus strand). Cytogenetic location: 4q12.
Variant type: single nucleotide variant.
Coding change: c.2078A>G on transcript NM_000222.3 (MANE Select); coding-DNA position 2078, A replaced by G.
Protein change: p.Lys693Arg; replaces lysine 693 with arginine.
Molecular consequence: missense variant.
Genome position (GRCh38, 1-based): chr4:54,729,422, A>G. VCF-style: chr4-54729422-A-G. GRCh37 (hg19) VCF-style: chr4-55595588-A-G.
Other names: c.2066A>G, p.Lys689Arg (NM_001093772.2, NM_001385286.1); c.2081A>G, p.Lys694Arg (NM_001385284.1, NM_001385290.1); c.2078A>G, p.Lys693Arg (NM_001385285.1); c.2069A>G, p.Lys690Arg (NM_001385288.1, NM_001385292.1); short protein forms K689R, K690R, K694R, K693R.
Identifiers: ClinVar variation 3864533 (VCV003864533.1).
Genomic context (GRCh38, chr4:54,729,422, plus strand): 5'-GTTGCTATGGTGATCTTTTGAATTTTTTGAGAAGAAAACGTGATTCATTTATTTGTTCAA[A>G]GCAGGAAGATCATGCAGAAGCTGCACTTTATAAGAATCTTCTGCATTCAAAGGAGTCTTC-3'
Protein context (NP_000213.1, residues 683-703): RRKRDSFICS[Lys693Arg]QEDHAEAALY